The following is an entry in ClinVar:

NM_001171613.2(PREPL):c.1748G>A (p.Gly583Asp)

Gene: PREPL (prolyl endopeptidase like; minus strand). Cytogenetic location: 2p21.
Variant type: single nucleotide variant.
Coding change: c.1748G>A on transcript NM_001171613.2 (MANE Select); coding-DNA position 1748, G replaced by A.
Protein change: p.Gly583Asp; replaces glycine 583 with aspartic acid.
Molecular consequence: missense variant.
Genome position (GRCh38, 1-based): chr2:44,322,736, C>T on the plus strand (G>A on the coding strand, the complement: PREPL is on the minus strand). VCF-style: chr2-44322736-C-T. GRCh37 (hg19) VCF-style: chr2-44549875-C-T.
Other names: c.1829G>A, p.Gly610Asp (NM_001042385.2); c.1817G>A, p.Gly606Asp (NM_001042386.2); c.2015G>A, p.Gly672Asp (NM_001171603.1, NM_001171606.2, NM_001374275.1 and 2 more transcripts); c.1748G>A, p.Gly583Asp (NM_001171617.1, NM_001374277.1); short protein forms G583D, G606D, G672D, G610D.
Identifiers: ClinVar variation 1434670 (VCV001434670.8), dbSNP rs752333096, ClinGen allele CA1640981.

ClinVar aggregate classification (germline): Uncertain significance (1 of 4 stars; one submission).

Conditions:
Myasthenic syndrome, congenital, 22 (CMS22). Also called: PREPL DEFICIENCY. Identifiers: MedGen C4479088, MONDO:0044299, OMIM 616224.

Allele frequency attached by ClinVar (database versions not stated): gnomAD exomes 0.00001; ExAC 0.00002.
gnomAD v4.1: 11 of 1,613,532 alleles (0.00068%); highest among the groups gnomAD compares: South Asian, 0.0099%; no homozygotes.

Submission:

Labcorp Genetics (formerly Invitae), Labcorp
Classification: Uncertain significance for Myasthenic syndrome, congenital, 22. Last evaluated: 2021-05-03. Review status: criteria provided, single submitter. Criteria: Invitae Variant Classification Sherloc (09022015). Collection method: clinical testing. Allele origin: germline.
Comment: This variant is present in population databases (rs752333096, ExAC 0.01%). This sequence change replaces glycine with aspartic acid at codon 672 of the PREPL protein (p.Gly672Asp). The glycine residue is moderately conserved and there is a moderate physicochemical difference between glycine and aspartic acid. This variant has not been reported in the literature in individuals with PREPL-related conditions. Algorithms developed to predict the effect of missense changes on protein structure and function (SIFT, PolyPhen-2, Align-GVGD) all suggest that this variant is likely to be tolerated, but these predictions have not been confirmed by published functional studies and their clinical significance is uncertain. In summary, the available evidence is currently insufficient to determine the role of this variant in disease. Therefore, it has been classified as a Variant of Uncertain Significance.